The following is an entry in ClinVar:

ClinVar aggregate classification (germline): Conflicting classifications of pathogenicity. Review status: criteria provided, conflicting classifications (1 of 4 stars). 2 submissions from 2 submitters: Uncertain significance (1); Likely benign (1). Last evaluated 2023-08-24.

gnomAD v4.1: 3 of 1,614,036 alleles (0.00019%); highest among the groups gnomAD compares: South Asian, 0.0033%; no homozygotes.

Submissions (2):

Labcorp Genetics (formerly Invitae), Labcorp
Classification: Likely benign. Last evaluated: 2023-08-24. Review status: criteria provided, single submitter. Criteria: Invitae Variant Classification Sherloc (09022015). Collection method: clinical testing. Allele origin: germline.

GeneDx
Classification: Uncertain significance. Last evaluated: 2021-05-07. Review status: criteria provided, single submitter. Criteria: GeneDx Variant Classification Process June 2021. Collection method: clinical testing. Allele origin: germline. Affected: yes.
Comment: Not observed in large population cohorts (Lek et al., 2016); In silico analysis supports that this missense variant does not alter protein structure/function; Has not been previously published as pathogenic or benign to our knowledge

NM_015570.4(AUTS2):c.995C>A (p.Pro332His)

Gene: AUTS2 (activator of transcription and developmental regulator AUTS2; plus strand). Cytogenetic location: 7q11.22.
Variant type: single nucleotide variant.
Coding change: c.995C>A on transcript NM_015570.4 (MANE Select); coding-DNA position 995, C replaced by A.
Protein change: p.Pro332His; replaces proline 332 with histidine.
Molecular consequence: missense variant.
Genome position (GRCh38, 1-based): chr7:70,763,122, C>A. VCF-style: chr7-70763122-C-A. GRCh37 (hg19) VCF-style: chr7-70228108-C-A.
Other names: c.995C>A, p.Pro332His (NM_001127231.3); short protein forms P332H.
Identifiers: ClinVar variation 1320367 (VCV001320367.5), dbSNP rs757432625, ClinGen allele CA367667625.
Genomic context (GRCh38, chr7:70,763,122, plus strand): 5'-AGCCCCAACTCCGAGCTCCTTCTCCGGACCCTGACTTGGTGCAGCGCACAGAGGCCCCAC[C>A]TCAACCCCCACCTCTGAGTACACAGCCACCACAGGGCCCTCCTGAGGCCCAGCTCCAGCC-3'
Protein context (NP_056385.1, residues 322-342): PDLVQRTEAP[Pro332His]QPPPLSTQPP